The following is an entry in ClinVar:

ClinVar aggregate classification (germline): Uncertain significance (1 of 4 stars; one submission).

Allele frequency attached by ClinVar (database versions not stated): gnomAD exomes below 0.00001; TOPMed below 0.00001.
gnomAD v4.1: 4 of 1,614,194 alleles (0.00025%); highest among the groups gnomAD compares: South Asian, 0.0011%; no homozygotes.

Submission:

Labcorp Genetics (formerly Invitae), Labcorp
Classification: Uncertain significance. Last evaluated: 2023-01-10. Review status: criteria provided, single submitter. Criteria: Invitae Variant Classification Sherloc (09022015). Collection method: clinical testing. Allele origin: germline.
Comment: In summary, the available evidence is currently insufficient to determine the role of this variant in disease. Therefore, it has been classified as a Variant of Uncertain Significance. Algorithms developed to predict the effect of missense changes on protein structure and function are either unavailable or do not agree on the potential impact of this missense change (SIFT: "Deleterious"; PolyPhen-2: "Benign"; Align-GVGD: "Class C25"). This variant has not been reported in the literature in individuals affected with AP2M1-related conditions. This variant is not present in population databases (gnomAD no frequency). This sequence change replaces isoleucine, which is neutral and non-polar, with valine, which is neutral and non-polar, at codon 283 of the AP2M1 protein (p.Ile283Val).

NM_004068.4(AP2M1):c.847A>G (p.Ile283Val)

Gene: AP2M1 (adaptor related protein complex 2 subunit mu 1; plus strand). Cytogenetic location: 3q27.1.
Variant type: single nucleotide variant.
Coding change: c.847A>G on transcript NM_004068.4 (MANE Select); coding-DNA position 847, A replaced by G.
Protein change: p.Ile283Val; replaces isoleucine 283 with valine.
Molecular consequence: missense variant.
Genome position (GRCh38, 1-based): chr3:184,181,931, A>G. VCF-style: chr3-184181931-A-G. GRCh37 (hg19) VCF-style: chr3-183899719-A-G.
Other names: c.841A>G, p.Ile281Val (NM_001025205.2); c.922A>G, p.Ile308Val (NM_001311198.2); short protein forms I281V, I283V, I308V.
Identifiers: ClinVar variation 3008309 (VCV003008309.3), dbSNP rs1715286218, ClinGen allele CA355427798.